The following is an entry in ClinVar:

NM_001029883.3(PCARE):c.1525A>C (p.Thr509Pro)

Gene: PCARE (photoreceptor cilium actin regulator; minus strand). Cytogenetic location: 2p23.2.
Variant type: single nucleotide variant.
Coding change: c.1525A>C on transcript NM_001029883.3 (MANE Select); coding-DNA position 1525, A replaced by C.
Protein change: p.Thr509Pro; replaces threonine 509 with proline.
Molecular consequence: missense variant.
Genome position (GRCh38, 1-based): chr2:29,072,737, T>G on the plus strand (A>C on the coding strand, the complement: PCARE is on the minus strand). VCF-style: chr2-29072737-T-G. GRCh37 (hg19) VCF-style: chr2-29295603-T-G.
Other names: short protein forms T509P.
Identifiers: ClinVar variation 1486052 (VCV001486052.8), dbSNP rs144622269, ClinGen allele CA346479475.

ClinVar aggregate classification (germline): Uncertain significance (1 of 4 stars; one submission).

gnomAD v4.1: 1 of 1,611,512 alleles (0.000062%); highest among the groups gnomAD compares: Middle Eastern, 0.017%; no homozygotes.

Submission:

Labcorp Genetics (formerly Invitae), Labcorp
Classification: Uncertain significance. Last evaluated: 2022-02-10. Review status: criteria provided, single submitter. Criteria: Invitae Variant Classification Sherloc (09022015). Collection method: clinical testing. Allele origin: germline.
Comment: This sequence change replaces threonine, which is neutral and polar, with proline, which is neutral and non-polar, at codon 509 of the PCARE protein (p.Thr509Pro). In summary, the available evidence is currently insufficient to determine the role of this variant in disease. Therefore, it has been classified as a Variant of Uncertain Significance. Algorithms developed to predict the effect of missense changes on protein structure and function (SIFT, PolyPhen-2, Align-GVGD) all suggest that this variant is likely to be tolerated. This variant has not been reported in the literature in individuals affected with PCARE-related conditions. This variant is not present in population databases (gnomAD no frequency).